The following is an entry in ClinVar:

NM_022124.6(CDH23):c.9093C>G (p.Ile3031Met)

Gene: CDH23 (cadherin related 23; plus strand). Cytogenetic location: 10q22.1.
Variant type: single nucleotide variant.
Coding change: c.9093C>G on transcript NM_022124.6 (MANE Select); coding-DNA position 9093, C replaced by G.
Protein change: p.Ile3031Met; replaces isoleucine 3031 with methionine.
Molecular consequence: missense variant.
Genome position (GRCh38, 1-based): chr10:71,811,330, C>G. VCF-style: chr10-71811330-C-G. GRCh37 (hg19) VCF-style: chr10-73571087-C-G.
Other names: c.2373C>G, p.Ile791Met (NM_001171933.1, NM_001171934.1); short protein forms I3031M, I791M.
Identifiers: ClinVar variation 1366967 (VCV001366967.6), dbSNP rs1841916074, ClinGen allele CA377134302.

ClinVar aggregate classification (germline): Uncertain significance (1 of 4 stars; one submission).

gnomAD v4.1: 2 of 1,613,782 alleles (0.00012%); highest among the groups gnomAD compares: Non-Finnish European, 0.00017%; no homozygotes.

Submission:

Labcorp Genetics (formerly Invitae), Labcorp
Classification: Uncertain significance. Last evaluated: 2021-09-07. Review status: criteria provided, single submitter. Criteria: Invitae Variant Classification Sherloc (09022015). Collection method: clinical testing. Allele origin: germline.
Comment: This sequence change replaces isoleucine with methionine at codon 3031 of the CDH23 protein (p.Ile3031Met). The isoleucine residue is highly conserved and there is a small physicochemical difference between isoleucine and methionine. This variant is not present in population databases (ExAC no frequency). This variant has not been reported in the literature in individuals affected with CDH23-related conditions. Algorithms developed to predict the effect of missense changes on protein structure and function are either unavailable or do not agree on the potential impact of this missense change (SIFT: "Deleterious"; PolyPhen-2: "Not Available"; Align-GVGD: "Class C0"). In summary, the available evidence is currently insufficient to determine the role of this variant in disease. Therefore, it has been classified as a Variant of Uncertain Significance.